The following is an entry in ClinVar:

ClinVar aggregate classification (germline): Uncertain significance (1 of 4 stars; one submission).

Conditions:
Gorlin syndrome. Also called: Nevoid Basal Cell Carcinoma Syndrome; Basal cell nevus syndrome. Identifiers: Orphanet 377, MedGen C0004779, MONDO:0007187.

gnomAD v4.1: 1 of 1,614,168 alleles (0.000062%); no homozygotes.

Submission:

Labcorp Genetics (formerly Invitae), Labcorp
Classification: Uncertain significance for Gorlin syndrome. Last evaluated: 2020-11-11. Review status: criteria provided, single submitter. Criteria: Invitae Variant Classification Sherloc (09022015). Collection method: clinical testing. Allele origin: germline.
Comment: This variant is not present in population databases (ExAC no frequency). In summary, the available evidence is currently insufficient to determine the role of this variant in disease. Therefore, it has been classified as a Variant of Uncertain Significance. Algorithms developed to predict the effect of missense changes on protein structure and function are either unavailable or do not agree on the potential impact of this missense change (SIFT: "Deleterious"; PolyPhen-2: "Probably Damaging"; Align-GVGD: "Class C0"). This variant has not been reported in the literature in individuals with PTCH2-related conditions. This sequence change replaces serine with tyrosine at codon 287 of the PTCH2 protein (p.Ser287Tyr). The serine residue is moderately conserved and there is a large physicochemical difference between serine and tyrosine.

NM_003738.5(PTCH2):c.860C>A (p.Ser287Tyr)

Gene: PTCH2 (patched 2; minus strand). Cytogenetic location: 1p34.1.
Variant type: single nucleotide variant.
Coding change: c.860C>A on transcript NM_003738.5 (MANE Select); coding-DNA position 860, C replaced by A.
Protein change: p.Ser287Tyr; replaces serine 287 with tyrosine.
Molecular consequence: missense variant.
Genome position (GRCh38, 1-based): chr1:44,829,984, G>T on the plus strand (C>A on the coding strand, the complement: PTCH2 is on the minus strand). VCF-style: chr1-44829984-G-T. GRCh37 (hg19) VCF-style: chr1-45295656-G-T.
Other names: c.860C>A, p.Ser287Tyr (NM_001166292.2); short protein forms S287Y.
Identifiers: ClinVar variation 947086 (VCV000947086.10), dbSNP rs1458470156, ClinGen allele CA340105116.